The following is an entry in ClinVar:

NM_017780.4(CHD7):c.2830C>T (p.Arg944Cys)

Gene: CHD7 (chromodomain helicase DNA binding protein 7; plus strand). Cytogenetic location: 8q12.2.
Variant type: single nucleotide variant.
Coding change: c.2830C>T on transcript NM_017780.4 (MANE Select); coding-DNA position 2830, C replaced by T.
Protein change: p.Arg944Cys; replaces arginine 944 with cysteine.
Molecular consequence: missense variant. On other transcripts: intron variant (1).
Genome position (GRCh38, 1-based): chr8:60,821,922, C>T. VCF-style: chr8-60821922-C-T. GRCh37 (hg19) VCF-style: chr8-61734481-C-T.
Other names: c.1717-40307C>T (NM_001316690.1); short protein forms R944C.
Identifiers: ClinVar variation 496443 (VCV000496443.10), dbSNP rs587783435, ClinGen allele CA4759824.

ClinVar aggregate classification (germline): Conflicting classifications of pathogenicity. Review status: criteria provided, conflicting classifications (1 of 4 stars). 4 submissions from 4 submitters: Uncertain significance (2); Likely benign (2). Last evaluated 2025-07-02.

Conditions:
Hypogonadotropic hypogonadism 5 with or without anosmia (KAL5). Also called: HYPOGONADOTROPIC HYPOGONADISM 5 WITH ANOSMIA; HYPOGONADOTROPHIC HYPOGONADISM 5 WITHOUT ANOSMIA; CHD7-Related GnRH Deficiency (Kallmann Syndrome 5). Identifiers: Orphanet 478, MedGen C3552553, MONDO:0012880, OMIM 612370. Disease mechanism: loss of function.
CHARGE syndrome (CHARGE). Also called: Hittner Hirsch Kreh syndrome; Coloboma, heart anomaly, choanal atresia, retardation, genital and ear anomalies; CHARGE association; Hall-Hittner syndrome; CHARGE ASSOCIATION--COLOBOMA, HEART ANOMALY, CHOANAL ATRESIA, RETARDATION, GENITAL AND EAR ANOMALIES. Identifiers: Orphanet 138, MedGen C0265354, MONDO:0008965.

Allele frequency attached by ClinVar (database versions not stated): gnomAD 0.00002; TOPMed 0.00003.
gnomAD v4.1: 71 of 1,612,818 alleles (0.0044%); highest among the groups gnomAD compares: Middle Eastern, 0.016%; no homozygotes.

Submissions (4):

Labcorp Genetics (formerly Invitae), Labcorp
Classification: Likely benign for CHARGE syndrome. Last evaluated: 2025-07-02. Review status: criteria provided, single submitter. Criteria: Invitae Variant Classification Sherloc (09022015). Collection method: clinical testing. Allele origin: germline.

Fulgent Genetics
Classification: Likely benign for CHD7-related CHARGE syndrome; Hypogonadotropic hypogonadism 5 with or without anosmia. Last evaluated: 2024-06-11. Review status: criteria provided, single submitter. Criteria: ACMG Guidelines, 2015. Collection method: clinical testing. Allele origin: germline.

GeneDx
Classification: Uncertain significance. Last evaluated: 2021-01-21. Review status: criteria provided, single submitter. Criteria: GeneDx Variant Classification Process June 2021. Collection method: clinical testing. Allele origin: germline. Affected: yes.
Comment: Identified in a patient with hypogonadotropic hypogonadism (Zhang et al., 2019) and in a patient with constitutional delay of growth and puberty (Barroso et al., 2019) in published literature; In silico analysis supports that this missense variant has a deleterious effect on protein structure/function; This variant is associated with the following publications: (PMID: 24755471, 32851286, 31726455, 32134193)

Women's Health and Genetics/Laboratory Corporation of America, LabCorp
Classification: Uncertain significance. Last evaluated: 2016-06-27. Review status: criteria provided, single submitter. Criteria: LabCorp Variant Classification Summary - May 2015. Collection method: clinical testing. Allele origin: germline.
Comment: Variant summary: The CHD7 c.2830C>T (p.Arg944Cys) variant involves the alteration of a conserved nucleotide. 3/4 in silico tools predict a damaging outcome (SNPs&GO not captured due to low reliability index). Arg944 is located in the chromo domain, the P-loop containing nucleoside triphosphate hydrolase domain, and the SNF2-related N-terminal domain of the protein. This variant was found in 3/105356 control chromosomes at a frequency of 0.0000285, which is approximately 23 times the estimated maximal expected allele frequency of a pathogenic CHD7 variant (0.0000013), suggesting this variant may be a benign polymorphism. Taken together, this variant is classified as a VUS-possibly benign until additional information is available.

Literature cited by the submitters: PubMed 24755471 (cited by Women's Health and Genetics/Laboratory Corporation of America, LabCorp).